The following is an entry in ClinVar:

ClinVar aggregate classification (germline): Uncertain significance. Review status: criteria provided, single submitter (1 of 4 stars). 2 submissions from 2 submitters: Uncertain significance (1). 1 of the submissions does not count toward it. Last evaluated 2025-07-11.

Conditions:
SALL1-related disorder. Also called: SALL1-related condition.

gnomAD v4.1: 10 of 1,613,798 alleles (0.00062%); highest among the groups gnomAD compares: African/African-American, 0.004%; no homozygotes.

Submissions (2):

GeneDx
Classification: Uncertain significance. Last evaluated: 2025-07-11. Review status: criteria provided, single submitter. Criteria: GeneDx Variant Classification Process June 2021. Collection method: clinical testing. Allele origin: germline. Affected: yes.
Comment: Identified in a patient with focal and segmental glomerulosclerosis in published literature (PMID: 31308072); In silico analysis suggests that this missense variant does not alter protein structure/function; This variant is associated with the following publications: (PMID: 31308072)

PreventionGenetics, part of Exact Sciences
Classification: Uncertain significance for SALL1-related condition. Last evaluated: 2024-05-14. Review status: no assertion criteria provided. Collection method: clinical testing. Allele origin: germline. Not counted in ClinVar's aggregate classification.
Comment: The SALL1 c.1786G>A variant is predicted to result in the amino acid substitution p.Gly596Arg. To our knowledge, this variant has not been reported in the literature. This variant is reported in 0.0041% of alleles in individuals of African descent in gnomAD. Although we suspect that this variant may be benign, at this time, the clinical significance of this variant is uncertain due to the absence of conclusive functional and genetic evidence.

NM_002968.3(SALL1):c.1786G>A (p.Gly596Arg)

Gene: SALL1 (spalt like transcription factor 1; minus strand). Cytogenetic location: 16q12.1.
Variant type: single nucleotide variant.
Coding change: c.1786G>A on transcript NM_002968.3 (MANE Select); coding-DNA position 1786, G replaced by A.
Protein change: p.Gly596Arg; replaces glycine 596 with arginine.
Molecular consequence: missense variant.
Genome position (GRCh38, 1-based): chr16:51,140,436, C>T on the plus strand (G>A on the coding strand, the complement: SALL1 is on the minus strand). VCF-style: chr16-51140436-C-T. GRCh37 (hg19) VCF-style: chr16-51174347-C-T.
Other names: c.1495G>A, p.Gly499Arg (NM_001127892.2); short protein forms G499R, G596R.
Identifiers: ClinVar variation 3358213 (VCV003358213.2).